The following is an entry in ClinVar:

NM_001128840.3(CACNA1D):c.6348C>T (p.Asn2116=)

Gene: CACNA1D (calcium voltage-gated channel subunit alpha1 D; plus strand). Cytogenetic location: 3p21.1.
Variant type: single nucleotide variant.
Coding change: c.6348C>T on transcript NM_001128840.3 (MANE Select); coding-DNA position 6348, C replaced by T.
Protein change: p.Asn2116=; no amino-acid change (asparagine 2116 retained).
Molecular consequence: synonymous variant.
Genome position (GRCh38, 1-based): chr3:53,811,268, C>T. VCF-style: chr3-53811268-C-T. GRCh37 (hg19) VCF-style: chr3-53845295-C-T.
Other names: p.Asn2136=; c.6408C>T, p.Asn2136= (NM_000720.4); c.6276C>T, p.Asn2092= (NM_001128839.3); c.6408C>T (NM_000720.3).
Identifiers: ClinVar variation 226478 (VCV000226478.18), dbSNP rs10154841, ClinGen allele CA2455431.

ClinVar aggregate classification (germline): Benign. Review status: criteria provided, multiple submitters, no conflicts (2 of 4 stars). 9 submissions from 8 submitters: Benign (9). Last evaluated 2026-02-04.

Conditions:
Aldosterone-producing adenoma with seizures and neurological abnormalities. Also called: Primary aldosteronism, seizures, and neurologic abnormalities. Identifiers: Orphanet 369929, MedGen C3809609, MONDO:0014200, OMIM 615474.
Sinoatrial node dysfunction and deafness (SANDD). Identifiers: Orphanet 324321, MedGen C3554018, MONDO:0013960, OMIM 614896.

Allele frequency attached by ClinVar (database versions not stated): gnomAD exomes 0.10577 and 0.13384; ExAC 0.13974; gnomAD 0.23549 and 0.24426; ESP Exome Variant Server 0.25250; TOPMed 0.25573; 1000 Genomes Project 0.26118; 1000 Genomes Project 30x 0.26858.
gnomAD v4.1: 191,549 of 1,613,576 alleles (12%); highest among the groups gnomAD compares: African/African-American, 59%; 20,864 homozygotes.

Submissions (9):

Labcorp Genetics (formerly Invitae), Labcorp
Classification: Benign. Last evaluated: 2026-02-04. Review status: criteria provided, single submitter. Criteria: Invitae Variant Classification Sherloc (09022015). Collection method: clinical testing. Allele origin: germline.

Blueprint Genetics
Classification: Benign. Last evaluated: 2024-11-26. Review status: criteria provided, single submitter. Criteria: ACMG Guidelines, 2015. Collection method: clinical testing. Allele origin: germline.

KCCC/NGS Laboratory, Kuwait Cancer Control Center
Classification: Benign for Aldosterone-producing adenoma with seizures and neurological abnormalities. Last evaluated: 2023-07-07. Review status: criteria provided, single submitter. Criteria: ACMG Guidelines, 2015. Collection method: clinical testing. Allele origin: germline. Affected: yes.

Mayo Clinic Laboratories, Mayo Clinic
Classification: Benign. Last evaluated: 2022-04-26. Review status: criteria provided, single submitter. Criteria: ACMG Guidelines, 2015. Collection method: clinical testing. Allele origin: germline. Observed: 178 variant alleles.

Genome-Nilou Lab
Classification: Benign for Aldosterone-producing adenoma with seizures and neurological abnormalities. Last evaluated: 2021-07-14. Review status: criteria provided, single submitter. Criteria: ACMG Guidelines, 2015. Collection method: clinical testing. Allele origin: germline. Affected: no.

Genome-Nilou Lab
Classification: Benign for Sinoatrial node dysfunction and deafness. Last evaluated: 2021-07-14. Review status: criteria provided, single submitter. Criteria: ACMG Guidelines, 2015. Collection method: clinical testing. Allele origin: germline. Affected: no.

GeneDx
Classification: Benign. Last evaluated: 2017-05-09. Review status: criteria provided, single submitter. Criteria: GeneDx Variant Classification (06012015). Collection method: clinical testing. Allele origin: germline. Affected: yes.
Comment: This variant is considered likely benign or benign based on one or more of the following criteria: it is a conservative change, it occurs at a poorly conserved position in the protein, it is predicted to be benign by multiple in silico algorithms, and/or has population frequency not consistent with disease.

Laboratory for Molecular Medicine, Mass General Brigham Personalized Medicine
Classification: Benign. Last evaluated: 2014-11-24. Review status: criteria provided, single submitter. Criteria: LMM Criteria. Collection method: clinical testing. Allele origin: germline. Observed: 283 variant alleles.
Comment: Asn2136Asn in exon 49 of CACNA1D: This variant is not expected to have clinical significance because it does not alter an amino acid residue and is not located within the splice consensus sequence. It has been identified in 42.3% (1864/4406 ) of African American chromosomes from a broad population by the NHLBI Exome Seq uencing Project (dbSNP rs10154841).

Breakthrough Genomics
Classification: Benign. Review status: criteria provided, single submitter. Criteria: ACMG Guidelines, 2015. Collection method: not provided. Allele origin: germline. Inheritance: Autosomal recessive inheritance. Affected: yes.